The following is an entry in ClinVar:

ClinVar aggregate classification (germline): Conflicting classifications of pathogenicity. Review status: criteria provided, conflicting classifications (1 of 4 stars). 8 submissions from 7 submitters: Uncertain significance (2); Likely benign (5). 1 of the submissions does not count toward it. Last evaluated 2026-02-03.

Conditions:
NF1-related disorder. Also called: NF1-related condition. Identifiers: MedGen CN379171.
Cardiovascular phenotype. Identifiers: MedGen CN230736.
Hereditary cancer-predisposing syndrome. Also called: Neoplastic Syndromes, Hereditary; Tumor predisposition; Hereditary Cancer Syndrome; Hereditary neoplastic syndrome. Identifiers: Orphanet 140162, MedGen C0027672, MeSH D009386, MONDO:0015356.
Neurofibromatosis-Noonan syndrome (NFNS). Also called: NEUROFIBROMATOSIS WITH NOONAN PHENOTYPE. Identifiers: Orphanet 638, MedGen C2931482, MONDO:0011035, OMIM 601321. Disease mechanism: loss of function.
Neurofibromatosis, type 1 (NF1). Also called: NEUROFIBROMATOSIS, TYPE I, SOMATIC; Peripheral type neurofibromatosis; Neurofibromatosis, type I; VON RECKLINGHAUSEN DISEASE. Identifiers: Orphanet 636, MedGen C0027831, MONDO:0018975, OMIM 162200. Disease mechanism: loss of function.

Allele frequency attached by ClinVar (database versions not stated): gnomAD exomes 0.00001; ExAC 0.00002; gnomAD 0.00006 and 0.00007; TOPMed 0.00006; ESP Exome Variant Server 0.00008.
gnomAD v4.1: 24 of 1,614,070 alleles (0.0015%); highest among the groups gnomAD compares: African/African-American, 0.021%; no homozygotes.

Submissions (8):

Labcorp Genetics (formerly Invitae), Labcorp
Classification: Likely benign for Neurofibromatosis, type 1. Last evaluated: 2026-02-03. Review status: criteria provided, single submitter. Criteria: Invitae Variant Classification Sherloc (09022015). Collection method: clinical testing. Allele origin: germline.

PreventionGenetics, part of Exact Sciences
Classification: Likely benign for NF1-related condition. Last evaluated: 2025-12-11. Review status: criteria provided, single submitter. Criteria: ACMG Guidelines, 2015. Collection method: clinical testing. Allele origin: germline.
Comment: This variant is classified as likely benign based on ACMG/AMP sequence variant interpretation guidelines (Richards et al. 2015 PMID: 25741868, with internal and published modifications).

Women's Health and Genetics/Laboratory Corporation of America, LabCorp
Classification: Uncertain significance. Last evaluated: 2023-01-16. Review status: criteria provided, single submitter. Criteria: LabCorp Variant Classification Summary - May 2015. Collection method: clinical testing. Allele origin: germline.
Comment: Variant summary: NF1 c.4880C>T (p.Thr1627Ile) results in a non-conservative amino acid change located in the CRAL-TRIO lipid binding domain (IPR001251) of the encoded protein sequence. Three of five in-silico tools predict a benign effect of the variant on protein function. The variant allele was found at a frequency of 8e-06 in 251338 control chromosomes. The available data on variant occurrences in the general population are insufficient to allow any conclusion about variant significance. Although listed in the literature within settings of molecular profiling studies Acute Myeloid Leukemia (example, Gatua_2022) or breast cancer (example, Eygelaar_2022), to our knowledge, no occurrence of c.4880C>T in individuals affected with Neurofibromatosis Type 1 and no experimental evidence demonstrating its impact on protein function have been reported. Five clinical diagnostic laboratories have submitted clinical-significance assessments for this variant to ClinVar after 2014 without evidence for independent evaluation. Multiple laboratories reported the variant with conflicting assessments (likely benign, n=3; VUS, n=2). Based on the evidence outlined above, the variant was classified as uncertain significance.

GeneDx
Classification: Likely benign. Last evaluated: 2020-04-20. Review status: criteria provided, single submitter. Criteria: GeneDx Variant Classification Process June 2021. Collection method: clinical testing. Allele origin: germline. Affected: yes.

Ambry Genetics
Classification: Likely benign for Cardiovascular phenotype; Hereditary cancer-predisposing syndrome. Last evaluated: 2019-12-27. Review status: criteria provided, single submitter. Criteria: Ambry Variant Classification Scheme 2023. Collection method: clinical testing. Allele origin: germline.

Mendelics
Classification: Uncertain significance for Neurofibromatosis, type 1. Last evaluated: 2018-07-02. Review status: criteria provided, single submitter. Criteria: Mendelics Assertion Criteria 2017. Collection method: clinical testing. Allele origin: unknown.

Ambry Genetics
Classification: Likely benign for Hereditary cancer-predisposing syndrome. Last evaluated: 2015-09-10. Review status: criteria provided, single submitter. Criteria: Ambry Autosomal Dominant and X-Linked criteria (10/2015). Collection method: clinical testing. Allele origin: germline. Observed: 1 variant allele.
Comment: In silico models in agreement (benign);Insufficient or conflicting evidence;Rarity in general population databases (dbsnp, esp, 1000 genomes)

Zotz-Klimas Genetics Lab, MVZ Zotz Klimas
Classification: Uncertain significance for Neurofibromatosis-Noonan syndrome. Last evaluated: 2023-10-30. Review status: no assertion criteria provided. Collection method: clinical testing. Allele origin: germline. Affected: yes. Not counted in ClinVar's aggregate classification.

Literature cited by the submitters: PubMed 35039564 (cited by Women's Health and Genetics/Laboratory Corporation of America, LabCorp); PubMed 35836575 (cited by Women's Health and Genetics/Laboratory Corporation of America, LabCorp).

NM_001042492.3(NF1):c.4943C>T (p.Thr1648Ile)

Gene: NF1 (neurofibromin 1; plus strand). Cytogenetic location: 17q11.2.
Variant type: single nucleotide variant.
Coding change: c.4943C>T on transcript NM_001042492.3 (MANE Select); coding-DNA position 4943, C replaced by T.
Protein change: p.Thr1648Ile; replaces threonine 1648 with isoleucine.
Molecular consequence: missense variant.
Genome position (GRCh38, 1-based): chr17:31,325,927, C>T. VCF-style: chr17-31325927-C-T. GRCh37 (hg19) VCF-style: chr17-29652945-C-T.
Other names: c.4880C>T, p.Thr1627Ile (NM_000267.4); short protein forms T1627I, T1648I.
Identifiers: ClinVar variation 233847 (VCV000233847.20), dbSNP rs376655102, ClinGen allele CA8487120.